The following is an entry in ClinVar:

ClinVar aggregate classification (germline): Pathogenic/Likely pathogenic. Review status: criteria provided, multiple submitters, no conflicts (2 of 4 stars). 2 submissions from 2 submitters: Pathogenic (1); Likely pathogenic (1). Last evaluated 2024-03-21.

Conditions:
Aortic aneurysm, familial thoracic 10 (AAT10). Identifiers: MedGen C4284414, MONDO:0014950, OMIM 617168.

Submissions (2):

Department of Clinical Genetics, Copenhagen University Hospital, Rigshospitalet
Classification: Likely pathogenic for Aortic aneurysm, familial thoracic 10. Last evaluated: 2024-03-21. Review status: criteria provided, single submitter. Criteria: ACMG Guidelines, 2015. Collection method: clinical testing. Allele origin: germline.
Comment: PVS1_VStr, PM2_Sup

Centre of Medical Genetics, University of Antwerp
Classification: Pathogenic for Aortic aneurysm, familial thoracic 10. Last evaluated: 2021-02-19. Review status: criteria provided, single submitter. Criteria: ACMG Guidelines, 2015. Collection method: research. Allele origin: paternal. Affected: yes.
Comment: PVS1, PS3, PM2

Literature cited by the submitters: PubMed 34281165 (cited by Centre of Medical Genetics, University of Antwerp).

NM_002317.7(LOX):c.351del (p.Arg118fs)

Genes: SRFBP1 (serum response factor binding protein 1; plus strand), LOX (lysyl oxidase; minus strand). Cytogenetic location: 5q23.1.
Variant type: Deletion.
Coding change: c.351del on transcript NM_002317.7 (MANE Select); coding-DNA position 351, one base deleted (C; older notation c.351delC).
Protein change: p.Arg118fs; shifts the reading frame from arginine 118.
Molecular consequence: frameshift variant.
Genome position (GRCh38, 1-based): chr5:122,077,635, G deleted on the plus strand (C on the coding strand, the reverse complement: LOX is on the minus strand); the first of 4 consecutive G bases (chr5:122,077,635-122,077,638); deleting any one gives the same sequence. VCF-style (leftmost placement, unchanged base first): chr5-122077634-TG-T. GRCh37 (hg19) VCF-style: chr5-121413329-TG-T.
Other names: c.351delC (NM_002317.7); short protein forms R118fs.
Identifiers: ClinVar variation 1098841 (VCV001098841.3), dbSNP rs1274931972, ClinGen allele CA562695588.